The following is an entry in ClinVar:

NM_004006.3(DMD):c.1577del (p.Thr526fs)

Gene: DMD (dystrophin; minus strand). Cytogenetic location: Xp21.1.
Variant type: Deletion.
Coding change: c.1577del on transcript NM_004006.3 (MANE Select); coding-DNA position 1577, one base deleted (C; older notation c.1577delC).
Protein change: p.Thr526fs; shifts the reading frame from threonine 526.
Molecular consequence: frameshift variant.
Genome position (GRCh38, 1-based): chrX:32,595,782, G deleted on the plus strand (C on the coding strand, the reverse complement: DMD is on the minus strand). VCF-style (leftmost placement, unchanged base first): chrX-32595781-AG-A. GRCh37 (hg19) VCF-style: chrX-32613898-AG-A.
Other names: c.1553del, p.Thr518fs (NM_000109.4); c.1565del, p.Thr522fs (NM_004009.3); c.1208del, p.Thr403fs (NM_004010.3); c.1577delC (NM_004006.2); short protein forms T403fs, T526fs, T518fs, T522fs.
Identifiers: ClinVar variation 579974 (VCV000579974.7), dbSNP rs1569273905, ClinGen allele CA891844444.

ClinVar aggregate classification (germline): Pathogenic (1 of 4 stars; one submission).

Conditions:
Duchenne muscular dystrophy (DMD). Also called: MUSCULAR DYSTROPHY, PSEUDOHYPERTROPHIC PROGRESSIVE, DUCHENNE TYPE; Duchenne Muscular Dystrophy (DMD). Identifiers: Orphanet 98896, MedGen C0013264, MONDO:0010679, OMIM 310200.

Submission:

Labcorp Genetics (formerly Invitae), Labcorp
Classification: Pathogenic for Duchenne muscular dystrophy. Last evaluated: 2018-06-25. Review status: criteria provided, single submitter. Criteria: Invitae Variant Classification Sherloc (09022015). Collection method: clinical testing. Allele origin: germline.
Comment: This variant is not present in population databases (ExAC no frequency). For these reasons, this variant has been classified as Pathogenic. Loss-of-function variants in DMD are known to be pathogenic (PMID: 16770791, 25007885). This variant has not been reported in the literature in individuals with DMD-related disease. This sequence change creates a premature translational stop signal (p.Thr526Metfs*57) in the DMD gene. It is expected to result in an absent or disrupted protein product.

Literature cited by the submitters: PubMed 16770791; PubMed 25007885.